The following is an entry in ClinVar:

NM_003221.4(TFAP2B):c.393G>C (p.Gln131His)

Gene: TFAP2B (transcription factor AP-2 beta; plus strand). Cytogenetic location: 6p12.3.
Variant type: single nucleotide variant.
Coding change: c.393G>C on transcript NM_003221.4 (MANE Select); coding-DNA position 393, G replaced by C.
Protein change: p.Gln131His; replaces glutamine 131 with histidine.
Molecular consequence: missense variant.
Genome position (GRCh38, 1-based): chr6:50,823,718, G>C. VCF-style: chr6-50823718-G-C. GRCh37 (hg19) VCF-style: chr6-50791431-G-C.
Other names: short protein forms Q131H.
Identifiers: ClinVar variation 2889017 (VCV002889017.3), dbSNP rs749853349, ClinGen allele CA3850331.
Genomic context (GRCh38, chr6:50,823,718, plus strand): 5'-GCAAGAAGTGGGTTCGGAAGCCGGCTCTCTCCTGCCCCAGCCTCGGGCCGCCTTGCCCCA[G>C]CTCTCGGGCCTTGACCCCCGGAGGGACTACCACTCGGTCCGCCGGCCGGACGTGCTGCTG-3'
Protein context (NP_003212.2, residues 121-141): LLPQPRAALP[Gln131His]LSGLDPRRDY

ClinVar aggregate classification (germline): Uncertain significance (1 of 4 stars; one submission).

Allele frequency attached by ClinVar (database versions not stated): ExAC 0.00001; gnomAD exomes 0.00001.
gnomAD v4.1: 3 of 1,612,872 alleles (0.00019%); highest among the groups gnomAD compares: Admixed American, 0.0033%; no homozygotes.

Submission:

Labcorp Genetics (formerly Invitae), Labcorp
Classification: Uncertain significance. Last evaluated: 2023-03-30. Review status: criteria provided, single submitter. Criteria: Invitae Variant Classification Sherloc (09022015). Collection method: clinical testing. Allele origin: germline.
Comment: In summary, the available evidence is currently insufficient to determine the role of this variant in disease. Therefore, it has been classified as a Variant of Uncertain Significance. This sequence change replaces glutamine, which is neutral and polar, with histidine, which is basic and polar, at codon 131 of the TFAP2B protein (p.Gln131His). This variant is present in population databases (rs749853349, gnomAD 0.003%). This variant has not been reported in the literature in individuals affected with TFAP2B-related conditions. Advanced modeling of protein sequence and biophysical properties (such as structural, functional, and spatial information, amino acid conservation, physicochemical variation, residue mobility, and thermodynamic stability) performed at Invitae indicates that this missense variant is not expected to disrupt TFAP2B protein function.